The following is an entry in ClinVar:

NM_004055.5(CAPN5):c.1009A>G (p.Ile337Val)

Gene: CAPN5 (calpain 5; plus strand). Cytogenetic location: 11q13.5.
Variant type: single nucleotide variant.
Coding change: c.1009A>G on transcript NM_004055.5 (MANE Select); coding-DNA position 1009, A replaced by G.
Protein change: p.Ile337Val; replaces isoleucine 337 with valine.
Molecular consequence: missense variant.
Genome position (GRCh38, 1-based): chr11:77,118,194, A>G. VCF-style: chr11-77118194-A-G. GRCh37 (hg19) VCF-style: chr11-76829240-A-G.
Other names: short protein forms I337V.
Identifiers: ClinVar variation 1364512 (VCV001364512.8), dbSNP rs1176521291, ClinGen allele CA381941281.

ClinVar aggregate classification (germline): Uncertain significance (1 of 4 stars; one submission).

Allele frequency attached by ClinVar (database versions not stated): gnomAD exomes below 0.00001; TOPMed below 0.00001.
gnomAD v4.1: 2 of 1,614,030 alleles (0.00012%); highest among the groups gnomAD compares: South Asian, 0.0011%; no homozygotes.

Submission:

Labcorp Genetics (formerly Invitae), Labcorp
Classification: Uncertain significance. Last evaluated: 2021-06-29. Review status: criteria provided, single submitter. Criteria: Invitae Variant Classification Sherloc (09022015). Collection method: clinical testing. Allele origin: germline.
Comment: In summary, the available evidence is currently insufficient to determine the role of this variant in disease. Therefore, it has been classified as a Variant of Uncertain Significance. Algorithms developed to predict the effect of missense changes on protein structure and function output the following: SIFT: "Tolerated"; PolyPhen-2: "Benign"; Align-GVGD: "Class C0". The valine amino acid residue is found in multiple mammalian species, suggesting that this missense change does not adversely affect protein function. These predictions have not been confirmed by published functional studies and their clinical significance is uncertain. This variant has not been reported in the literature in individuals with CAPN5-related conditions. This variant is not present in population databases (ExAC no frequency). This sequence change replaces isoleucine with valine at codon 337 of the CAPN5 protein (p.Ile337Val). The isoleucine residue is moderately conserved and there is a small physicochemical difference between isoleucine and valine.